The following is an entry in ClinVar:

ClinVar aggregate classification (germline): Uncertain significance (1 of 4 stars; one submission).

Submission:

Women's Health and Genetics/Laboratory Corporation of America, LabCorp
Classification: Uncertain significance. Last evaluated: 2024-06-24. Review status: criteria provided, single submitter. Criteria: LabCorp Variant Classification Summary - May 2015. Collection method: clinical testing. Allele origin: germline.
Comment: Variant summary: SLC4A1 c.1162C>G (p.Arg388Gly) results in a non-conservative amino acid change located in the Bicarbonate transporter-like, transmembrane domain (IPR011531) of the encoded protein sequence. Five of five in-silico tools predict a damaging effect of the variant on protein function. The variant was absent in 251324 control chromosomes. The available data on variant occurrences in the general population are insufficient to allow any conclusion about variant significance. To our knowledge, no occurrence of c.1162C>G in individuals affected with SLC4A1-related conditions and no experimental evidence demonstrating its impact on protein function have been reported. No submitters have cited clinical-significance assessments for this variant to ClinVar. Based on the evidence outlined above, the variant was classified as uncertain significance.

NM_000342.4(SLC4A1):c.1162C>G (p.Arg388Gly)

Gene: SLC4A1 (solute carrier family 4 member 1 (Diego blood group); minus strand). Cytogenetic location: 17q21.31.
Variant type: single nucleotide variant.
Coding change: c.1162C>G on transcript NM_000342.4 (MANE Select); coding-DNA position 1162, C replaced by G.
Protein change: p.Arg388Gly; replaces arginine 388 with glycine.
Molecular consequence: missense variant.
Genome position (GRCh38, 1-based): chr17:44,258,106, G>C on the plus strand (C>G on the coding strand, the complement: SLC4A1 is on the minus strand). VCF-style: chr17-44258106-G-C. GRCh37 (hg19) VCF-style: chr17-42335474-G-C.
Other names: short protein forms R388G.
Identifiers: ClinVar variation 3339839 (VCV003339839.1).